The following is an entry in ClinVar:

ClinVar aggregate classification (germline): Likely benign. Review status: criteria provided, multiple submitters, no conflicts (2 of 4 stars). 2 submissions from 2 submitters: Likely benign (2). Last evaluated 2025-12-02.

Conditions:
NOG-related disorder. Also called: NOG-related condition; NOG-related disorders.

Allele frequency attached by ClinVar (database versions not stated): gnomAD 0.00001; TOPMed 0.00002; gnomAD exomes 0.00007; ExAC 0.00010.
gnomAD v4.1: 17 of 1,607,412 alleles (0.0011%); highest among the groups gnomAD compares: Admixed American, 0.029%; no homozygotes.

Submissions (2):

PreventionGenetics, part of Exact Sciences
Classification: Likely benign for NOG-related condition. Last evaluated: 2025-12-02. Review status: criteria provided, single submitter. Criteria: ACMG Guidelines, 2015. Collection method: clinical testing. Allele origin: germline.
Comment: This variant is classified as likely benign based on ACMG/AMP sequence variant interpretation guidelines (Richards et al. 2015 PMID: 25741868, with internal and published modifications).

Labcorp Genetics (formerly Invitae), Labcorp
Classification: Likely benign. Last evaluated: 2025-01-20. Review status: criteria provided, single submitter. Criteria: Invitae Variant Classification Sherloc (09022015). Collection method: clinical testing. Allele origin: germline.

NM_005450.6(NOG):c.363A>G (p.Lys121=)

Gene: NOG (noggin; plus strand). Cytogenetic location: 17q22.
Variant type: single nucleotide variant.
Coding change: c.363A>G on transcript NM_005450.6 (MANE Select); coding-DNA position 363, A replaced by G.
Protein change: p.Lys121=; no amino-acid change (lysine 121 retained).
Molecular consequence: synonymous variant.
Genome position (GRCh38, 1-based): chr17:56,594,586, A>G. VCF-style: chr17-56594586-A-G. GRCh37 (hg19) VCF-style: chr17-54671947-A-G.
Other names: c.363A>G (NM_005450.4).
Identifiers: ClinVar variation 1591592 (VCV001591592.9), dbSNP rs769458009, ClinGen allele CA8663194.